The following is an entry in ClinVar:

ClinVar aggregate classification (germline): Uncertain significance (1 of 4 stars; one submission).

Submission:

Labcorp Genetics (formerly Invitae), Labcorp
Classification: Uncertain significance. Last evaluated: 2022-07-26. Review status: criteria provided, single submitter. Criteria: Invitae Variant Classification Sherloc (09022015). Collection method: clinical testing. Allele origin: germline.
Comment: In summary, the available evidence is currently insufficient to determine the role of this variant in disease. Therefore, it has been classified as a Variant of Uncertain Significance. Algorithms developed to predict the effect of missense changes on protein structure and function are either unavailable or do not agree on the potential impact of this missense change (SIFT: "Deleterious"; PolyPhen-2: "Probably Damaging"; Align-GVGD: "Class C0"). ClinVar contains an entry for this variant (Variation ID: 1474430). This variant has not been reported in the literature in individuals affected with PSMG2-related conditions. This variant is not present in population databases (gnomAD no frequency). This sequence change replaces proline, which is neutral and non-polar, with arginine, which is basic and polar, at codon 248 of the PSMG2 protein (p.Pro248Arg).

NM_020232.5(PSMG2):c.743C>G (p.Pro248Arg)

Gene: PSMG2 (proteasome assembly chaperone 2; plus strand). Cytogenetic location: 18p11.21.
Variant type: single nucleotide variant.
Coding change: c.743C>G on transcript NM_020232.5 (MANE Select); coding-DNA position 743, C replaced by G.
Protein change: p.Pro248Arg; replaces proline 248 with arginine.
Molecular consequence: missense variant.
Genome position (GRCh38, 1-based): chr18:12,725,479, C>G. VCF-style: chr18-12725479-C-G. GRCh37 (hg19) VCF-style: chr18-12725478-C-G.
Other names: c.650C>G, p.Pro217Arg (NM_147163.2); short protein forms P217R, P248R.
Identifiers: ClinVar variation 1474430 (VCV001474430.6), dbSNP rs2145155778, ClinGen allele CA401971308.